The following is an entry in ClinVar:

ClinVar aggregate classification (germline): Uncertain significance (1 of 4 stars; one submission).

gnomAD v4.1: 4 of 1,613,346 alleles (0.00025%); highest among the groups gnomAD compares: Non-Finnish European, 0.00034%; no homozygotes.

Submission:

Labcorp Genetics (formerly Invitae), Labcorp
Classification: Uncertain significance. Last evaluated: 2024-08-11. Review status: criteria provided, single submitter. Criteria: Invitae Variant Classification Sherloc (09022015). Collection method: clinical testing. Allele origin: germline.
Comment: This sequence change replaces leucine, which is neutral and non-polar, with proline, which is neutral and non-polar, at codon 916 of the DCHS1 protein (p.Leu916Pro). This variant is not present in population databases (gnomAD no frequency). This variant has not been reported in the literature in individuals affected with DCHS1-related conditions. Advanced modeling of protein sequence and biophysical properties (such as structural, functional, and spatial information, amino acid conservation, physicochemical variation, residue mobility, and thermodynamic stability) performed at Invitae indicates that this missense variant is expected to disrupt DCHS1 protein function with a positive predictive value of 80%. In summary, the available evidence is currently insufficient to determine the role of this variant in disease. Therefore, it has been classified as a Variant of Uncertain Significance.

NM_003737.4(DCHS1):c.2747T>C (p.Leu916Pro)

Gene: DCHS1 (dachsous cadherin-related 1; minus strand). Cytogenetic location: 11p15.4.
Variant type: single nucleotide variant.
Coding change: c.2747T>C on transcript NM_003737.4 (MANE Select); coding-DNA position 2747, T replaced by C.
Protein change: p.Leu916Pro; replaces leucine 916 with proline.
Molecular consequence: missense variant.
Genome position (GRCh38, 1-based): chr11:6,632,765, A>G on the plus strand (T>C on the coding strand, the complement: DCHS1 is on the minus strand). VCF-style: chr11-6632765-A-G. GRCh37 (hg19) VCF-style: chr11-6653996-A-G.
Other names: short protein forms L916P.
Identifiers: ClinVar variation 3692805 (VCV003692805.2).